The following is an entry in ClinVar:

ClinVar aggregate classification (germline): Pathogenic. Review status: criteria provided, multiple submitters, no conflicts (2 of 4 stars). 2 submissions from 2 submitters: Pathogenic (2). Last evaluated 2022-07-05.

Conditions:
Inborn genetic diseases. Identifiers: MedGen C0950123, MeSH D030342.
Chédiak-Higashi syndrome (CHS). Also called: Chediak-Higashi Syndrome. Identifiers: Orphanet 167, MedGen C0007965, MONDO:0008963, OMIM 214500.

Submissions (2):

Ambry Genetics
Classification: Pathogenic for Inborn genetic diseases. Last evaluated: 2022-07-05. Review status: criteria provided, single submitter. Criteria: Ambry Variant Classification Scheme 2023. Collection method: clinical testing. Allele origin: germline.
Comment: The c.10062_10063delCT (p.I3354Mfs*5) alteration, located in exon 44 (coding exon 42) of the LYST gene, consists of a deletion of 2 nucleotides from position 10062 to 10063, causing a translational frameshift with a predicted alternate stop codon after 5 amino acids. This alteration is expected to result in loss of function by premature protein truncation or nonsense-mediated mRNA decay. This variant was not reported in population-based cohorts in the Genome Aggregation Database (gnomAD). Based on the available evidence, this alteration is classified as pathogenic.

Labcorp Genetics (formerly Invitae), Labcorp
Classification: Pathogenic for Chédiak-Higashi syndrome. Last evaluated: 2022-01-26. Review status: criteria provided, single submitter. Criteria: Invitae Variant Classification Sherloc (09022015). Collection method: clinical testing. Allele origin: germline.
Comment: For these reasons, this variant has been classified as Pathogenic. This variant has not been reported in the literature in individuals affected with LYST-related conditions. This variant is not present in population databases (gnomAD no frequency). This sequence change creates a premature translational stop signal (p.Ile3354Metfs*5) in the LYST gene. It is expected to result in an absent or disrupted protein product. Loss-of-function variants in LYST are known to be pathogenic (PMID: 9215679, 11857544).

Literature cited by the submitters: PubMed 9215679 (cited by Labcorp Genetics (formerly Invitae), Labcorp); PubMed 11857544 (cited by Labcorp Genetics (formerly Invitae), Labcorp).

NM_000081.4(LYST):c.10062_10063del (p.Ile3354fs)

Genes: LYST (lysosomal trafficking regulator; minus strand), LOC126806063 (MED14-independent group 3 enhancer GRCh37_chr1:235871544-235872743; plus strand). Cytogenetic location: 1q42.3.
Variant type: Deletion.
Coding change: c.10062_10063del on transcript NM_000081.4 (MANE Select); coding-DNA positions 10062 to 10063, 2 bases deleted (CT; older notation c.10062_10063delCT).
Protein change: p.Ile3354fs; shifts the reading frame from isoleucine 3354.
Molecular consequence: frameshift variant.
Genome position (GRCh38, 1-based): chr1:235,709,171-235,709,172, AG deleted on the plus strand (CT on the coding strand, the reverse complement: LYST is on the minus strand); deleting any 2 consecutive bases within chr1:235,709,171-235,709,173 gives the same sequence; the c. name uses the placement nearest the transcript's 3' end. VCF-style (leftmost placement, unchanged base first): chr1-235709170-CAG-C. GRCh37 (hg19) VCF-style: chr1-235872470-CAG-C.
Other names: c.10062_10063delCT (NM_000081.2); c.10062_10063del, p.Ile3354fs (NM_001301365.1); short protein forms I3354fs.
Identifiers: ClinVar variation 2146173 (VCV002146173.6), dbSNP rs2527363613, ClinGen allele CA2580062299.